The following is an entry in ClinVar:

ClinVar aggregate classification (germline): Benign. Review status: criteria provided, multiple submitters, no conflicts (2 of 4 stars). 2 submissions from 2 submitters: Benign (2). Last evaluated 2018-01-13.

Conditions:
Brachydactyly. Also called: Brachydactyly syndrome; Brachydactyly (disease). Identifiers: MedGen C0221357, MONDO:0021004, HP:0001156.

Allele frequency attached by ClinVar (database versions not stated): 1000 Genomes Project 30x 0.00078; 1000 Genomes Project 0.00100; TOPMed 0.00199; gnomAD 0.00205 and 0.00208.

Submissions (2):

Illumina Laboratory Services, Illumina
Classification: Benign for Brachydactyly. Last evaluated: 2018-01-13. Review status: criteria provided, single submitter. Criteria: ICSL Variant Classification Criteria 13 December 2019. Collection method: clinical testing. Allele origin: germline.
Comment: This variant was observed in the ICSL laboratory as part of a predisposition screen in an ostensibly healthy population. It had not been previously curated by ICSL or reported in the Human Gene Mutation Database (HGMD: prior to June 1st, 2018), and was therefore a candidate for classification through an automated scoring system. Utilizing variant allele frequency, disease prevalence and penetrance estimates, and inheritance mode, an automated score was calculated to assess if this variant is too frequent to cause the disease. Based on the score and internal cut-off values, a variant classified as benign is not then subjected to further curation. The score for this variant resulted in a classification of benign for this disease.

Breakthrough Genomics
Classification: Benign. Review status: criteria provided, single submitter. Criteria: ACMG Guidelines, 2015. Collection method: not provided. Allele origin: germline. Inheritance: Autosomal recessive inheritance. Affected: yes.

NM_001203.3(BMPR1B):c.*2411T>A

Gene: BMPR1B (bone morphogenetic protein receptor type 1B; plus strand). Cytogenetic location: 4q22.3.
Variant type: single nucleotide variant.
Coding change: c.*2411T>A on transcript NM_001203.3 (MANE Select); 2411 bases downstream of the stop codon, T replaced by A.
Molecular consequence: 3 prime UTR variant.
Genome position (GRCh38, 1-based): chr4:95,157,084, T>A. VCF-style: chr4-95157084-T-A. GRCh37 (hg19) VCF-style: chr4-96078235-T-A.
Other names: c.*2411T>A (NM_001256792.2, NM_001256793.2, NM_001256794.1).
Identifiers: ClinVar variation 905206 (VCV000905206.5), dbSNP rs145989039, ClinGen allele CA101683774.
Genomic context (GRCh38, chr4:95,157,084, plus strand): 5'-GTGGATAACGTCAAATCAGAATATTTTGTGAGGAGGTGATGATTTGAAATTAAGCTAGAT[T>A]TCTAGGGAGGTGTTGGTTCCAATGAAGGATGGGAAGAAATTAAAATAGTCTTCAAACTTC-3'